The following is an entry in ClinVar:

NM_025179.4(PLXNA2):c.1372-6A>G

Gene: PLXNA2 (plexin A2; minus strand). Cytogenetic location: 1q32.2.
Variant type: single nucleotide variant.
Coding change: c.1372-6A>G on transcript NM_025179.4 (MANE Select); 6 bases into the intron before coding-DNA position 1372, A replaced by G.
Molecular consequence: intron variant.
Genome position (GRCh38, 1-based): chr1:208,142,469, T>C on the plus strand (A>G on the coding strand, the complement: PLXNA2 is on the minus strand). VCF-style: chr1-208142469-T-C. GRCh37 (hg19) VCF-style: chr1-208315814-T-C.
Identifiers: ClinVar variation 4982808 (VCV004982808.1).

ClinVar aggregate classification (germline): Likely benign (1 of 4 stars; one submission).

Conditions:
PLXNA2-related disorder. Also called: PLXNA2-related condition.

gnomAD v4.1: 4 of 1,601,460 alleles (0.00025%); highest among the groups gnomAD compares: African/African-American, 0.004%; no homozygotes.

Submission:

PreventionGenetics, part of Exact Sciences
Classification: Likely benign for PLXNA2-related condition. Last evaluated: 2026-06-09. Review status: criteria provided, single submitter. Criteria: ACMG Guidelines, 2015. Collection method: clinical testing. Allele origin: germline.
Comment: This variant is classified as likely benign based on ACMG/AMP sequence variant interpretation guidelines (Richards et al. 2015 PMID: 25741868, with internal and published modifications).